The following is an entry in ClinVar:

NM_001184.4(ATR):c.1350-11C>A

Gene: ATR (ATR checkpoint kinase; minus strand). Cytogenetic location: 3q23.
Variant type: single nucleotide variant.
Coding change: c.1350-11C>A on transcript NM_001184.4 (MANE Select); 11 bases into the intron before coding-DNA position 1350, C replaced by A.
Molecular consequence: intron variant.
Genome position (GRCh38, 1-based): chr3:142,560,465, G>T on the plus strand (C>A on the coding strand, the complement: ATR is on the minus strand). VCF-style: chr3-142560465-G-T. GRCh37 (hg19) VCF-style: chr3-142279307-G-T.
Other names: c.1349+778C>A (NM_001354579.2).
Identifiers: ClinVar variation 3724102 (VCV003724102.2).

ClinVar aggregate classification (germline): Uncertain significance (1 of 4 stars; one submission).

Submission:

Labcorp Genetics (formerly Invitae), Labcorp
Classification: Uncertain significance. Last evaluated: 2024-11-06. Review status: criteria provided, single submitter. Criteria: Invitae Variant Classification Sherloc (09022015). Collection method: clinical testing. Allele origin: germline.
Comment: This sequence change falls in intron 5 of the ATR gene. It does not directly change the encoded amino acid sequence of the ATR protein. This variant is not present in population databases (gnomAD no frequency). This variant has not been reported in the literature in individuals affected with ATR-related conditions. Algorithms developed to predict the effect of sequence changes on RNA splicing suggest that this variant may disrupt the consensus splice site. In summary, the available evidence is currently insufficient to determine the role of this variant in disease. Therefore, it has been classified as a Variant of Uncertain Significance.